The following is an entry in ClinVar:

ClinVar aggregate classification (germline): Uncertain significance. Review status: criteria provided, multiple submitters, no conflicts (2 of 4 stars). 6 submissions from 6 submitters: Uncertain significance (6). Last evaluated 2025-06-15.

Conditions:
Inborn genetic diseases. Identifiers: MedGen C0950123, MeSH D030342.
Inflammatory bowel disease 1 (IBD1). Also called: Inflammatory bowel disease 1, Crohn disease; INFLAMMATORY BOWEL DISEASE (CROHN DISEASE) 1. Identifiers: MedGen CN260071, MONDO:0009960, OMIM 266600.
Blau syndrome (BLAUS). Also called: ARTHROCUTANEOUVEAL GRANULOMATOSIS; GRANULOMATOSIS, FAMILIAL JUVENILE SYSTEMIC; GRANULOMATOSIS, FAMILIAL, BLAU TYPE; GRANULOMATOUS INFLAMMATORY ARTHRITIS, DERMATITIS, AND UVEITIS, FAMILIAL; JABS SYNDROME. Identifiers: Orphanet 90340, MedGen C5201146, MONDO:0008523, OMIM 186580.
Yao syndrome. Also called: Susceptibility to Yao syndrome. Identifiers: MedGen C4310620, MONDO:0015019, OMIM 617321.
NOD2-related disorder. Also called: NOD2-related condition.
Regional enteritis. Also called: Enteritis, Granulomatous. Identifiers: MedGen C0678202, MeSH D003424.

Allele frequency attached by ClinVar (database versions not stated): gnomAD exomes below 0.00001; gnomAD 0.00003; TOPMed 0.00006.
gnomAD v4.1: 7 of 1,613,982 alleles (0.00043%); highest among the groups gnomAD compares: African/African-American, 0.0067%; no homozygotes.

Submissions (6):

Labcorp Genetics (formerly Invitae), Labcorp
Classification: Uncertain significance for Regional enteritis; Blau syndrome. Last evaluated: 2025-06-15. Review status: criteria provided, single submitter. Criteria: Invitae Variant Classification Sherloc (09022015). Collection method: clinical testing. Allele origin: germline.
Comment: This sequence change replaces isoleucine, which is neutral and non-polar, with threonine, which is neutral and polar, at codon 104 of the NOD2 protein (p.Ile104Thr). This variant is not present in population databases (gnomAD no frequency). This variant has not been reported in the literature in individuals affected with NOD2-related conditions. ClinVar contains an entry for this variant (Variation ID: 950012). Invitae Evidence Modeling of protein sequence and biophysical properties (such as structural, functional, and spatial information, amino acid conservation, physicochemical variation, residue mobility, and thermodynamic stability) indicates that this missense variant is not expected to disrupt NOD2 protein function with a negative predictive value of 95%. In summary, the available evidence is currently insufficient to determine the role of this variant in disease. Therefore, it has been classified as a Variant of Uncertain Significance.

PreventionGenetics, part of Exact Sciences
Classification: Uncertain significance for NOD2-related condition. Last evaluated: 2025-04-17. Review status: criteria provided, single submitter. Criteria: ACMG Guidelines, 2015. Collection method: clinical testing. Allele origin: germline.
Comment: The NOD2 c.311T>C variant is predicted to result in the amino acid substitution p.Ile104Thr. To our knowledge, this variant has not been reported in the literature or in a large population database (gnomAD), indicating this variant is rare. At this time, the clinical significance of this variant is uncertain due to the absence of conclusive functional and genetic evidence.

Ambry Genetics
Classification: Uncertain significance for Inborn genetic diseases. Last evaluated: 2023-12-15. Review status: criteria provided, single submitter. Criteria: Ambry Variant Classification Scheme 2023. Collection method: clinical testing. Allele origin: germline.

Fulgent Genetics
Classification: Uncertain significance for Blau syndrome; Inflammatory bowel disease 1; Yao syndrome. Last evaluated: 2021-12-31. Review status: criteria provided, single submitter. Criteria: ACMG Guidelines, 2015. Collection method: clinical testing. Allele origin: unknown.

Blueprint Genetics
Classification: Uncertain significance. Last evaluated: 2019-09-02. Review status: criteria provided, single submitter. Criteria: ACMG Guidelines, 2015. Collection method: clinical testing. Allele origin: germline.

Mayo Clinic Laboratories, Mayo Clinic
Classification: Uncertain significance. Last evaluated: 2019-04-14. Review status: criteria provided, single submitter. Criteria: ACMG Guidelines, 2015. Collection method: clinical testing. Allele origin: germline. Observed: 1 variant allele.

NM_001370466.1(NOD2):c.230T>C (p.Ile77Thr)

Gene: NOD2 (nucleotide binding oligomerization domain containing 2; plus strand). Cytogenetic location: 16q12.1.
Variant type: single nucleotide variant.
Coding change: c.230T>C on transcript NM_001370466.1 (MANE Select); coding-DNA position 230, T replaced by C.
Protein change: p.Ile77Thr; replaces isoleucine 77 with threonine.
Molecular consequence: missense variant. On other transcripts: non-coding transcript variant (1).
Genome position (GRCh38, 1-based): chr16:50,699,725, T>C. VCF-style: chr16-50699725-T-C. GRCh37 (hg19) VCF-style: chr16-50733636-T-C.
Other names: c.230T>C, p.Ile77Thr (NM_001293557.2); c.311T>C, p.Ile104Thr (NM_022162.3); c.311T>C (NM_022162.1); short protein forms I104T, I77T.
Identifiers: ClinVar variation 950012 (VCV000950012.19), dbSNP rs912789864, ClinGen allele CA281250221.